The following is an entry in ClinVar:

ClinVar aggregate classification (germline): Likely benign (1 of 4 stars; one submission).

Allele frequency attached by ClinVar (database versions not stated): gnomAD exomes 0.00003 and 0.00012; ExAC 0.00016; ESP Exome Variant Server 0.00031; gnomAD 0.00042 and 0.00043; TOPMed 0.00044; 1000 Genomes Project 30x 0.00047; 1000 Genomes Project 0.00060.
gnomAD v4.1: 107 of 1,614,228 alleles (0.0066%); highest among the groups gnomAD compares: African/African-American, 0.13%; no homozygotes.

Submission:

Laboratory for Molecular Medicine, Mass General Brigham Personalized Medicine
Classification: Likely benign. Last evaluated: 2016-05-21. Review status: criteria provided, single submitter. Criteria: LMM Criteria. Collection method: clinical testing. Allele origin: germline. Observed: 1 variant allele.
Comment: p.Ile743Thr in exon 21 MYO1A: Recent evidence has disqualified an association between variants in the MYO1A gene and hearing loss, and therefore this variant is likely benign (Eisenberger 2014).

Literature cited by the submitters: PubMed 24616153.

NM_005379.4(MYO1A):c.2228T>C (p.Ile743Thr)

Gene: MYO1A (myosin IA; minus strand). Cytogenetic location: 12q13.3.
Variant type: single nucleotide variant.
Coding change: c.2228T>C on transcript NM_005379.4 (MANE Select); coding-DNA position 2228, T replaced by C.
Protein change: p.Ile743Thr; replaces isoleucine 743 with threonine.
Molecular consequence: missense variant.
Genome position (GRCh38, 1-based): chr12:57,036,818, A>G on the plus strand (T>C on the coding strand, the complement: MYO1A is on the minus strand). VCF-style: chr12-57036818-A-G. GRCh37 (hg19) VCF-style: chr12-57430602-A-G.
Other names: c.2228T>C, p.Ile743Thr (NM_001256041.2); short protein forms I743T.
Identifiers: ClinVar variation 164586 (VCV000164586.4), dbSNP rs145027196, ClinGen allele CA177297.